The following is an entry in ClinVar:

NM_004336.5(BUB1):c.1292A>G (p.Lys431Arg)

Gene: BUB1 (BUB1 mitotic checkpoint serine/threonine kinase; minus strand). Cytogenetic location: 2q13.
Variant type: single nucleotide variant.
Coding change: c.1292A>G on transcript NM_004336.5 (MANE Select); coding-DNA position 1292, A replaced by G.
Protein change: p.Lys431Arg; replaces lysine 431 with arginine.
Molecular consequence: missense variant.
Genome position (GRCh38, 1-based): chr2:110,658,727, T>C on the plus strand (A>G on the coding strand, the complement: BUB1 is on the minus strand). VCF-style: chr2-110658727-T-C. GRCh37 (hg19) VCF-style: chr2-111416304-T-C.
Other names: c.1232A>G, p.Lys411Arg (NM_001278616.2); c.1292A>G, p.Lys431Arg (NM_001278617.2); short protein forms K431R, K411R.
Identifiers: ClinVar variation 1769130 (VCV001769130.3), dbSNP rs1176326512, ClinGen allele CA348212833.

ClinVar aggregate classification (germline): Uncertain significance (1 of 4 stars; one submission).

Allele frequency attached by ClinVar (database versions not stated): gnomAD 0.00001.
gnomAD v4.1: 1 of 1,614,088 alleles (0.000062%); highest among the groups gnomAD compares: African/African-American, 0.0013%; no homozygotes.

Submission:

Ambry Genetics
Classification: Uncertain significance. Last evaluated: 2024-07-05. Review status: criteria provided, single submitter. Criteria: Ambry Variant Classification Scheme 2023. Collection method: clinical testing. Allele origin: germline.
Comment: The p.K431R variant (also known as c.1292A>G), located in coding exon 12 of the BUB1 gene, results from an A to G substitution at nucleotide position 1292. The lysine at codon 431 is replaced by arginine, an amino acid with highly similar properties. This amino acid position is conserved. In addition, this alteration is predicted to be tolerated by in silico analysis. Since supporting evidence is limited at this time, the clinical significance of this alteration remains unclear.